The following is an entry in ClinVar:

ClinVar aggregate classification (germline): Uncertain significance. Review status: criteria provided, multiple submitters, no conflicts (2 of 4 stars). 3 submissions from 3 submitters: Uncertain significance (3). Last evaluated 2025-12-11.

Conditions:
Inborn genetic diseases. Identifiers: MedGen C0950123, MeSH D030342.
Stüve-Wiedemann syndrome 1. Also called: STUVE-WIEDEMANN/SCHWARTZ-JAMPEL TYPE 2 SYNDROME. Identifiers: Orphanet 3206, MedGen C5676888, MONDO:0800043, OMIM 601559.

Allele frequency attached by ClinVar (database versions not stated): TOPMed below 0.00001; gnomAD 0.00001; gnomAD exomes 0.00001; ExAC 0.00003.
gnomAD v4.1: 5 of 1,588,800 alleles (0.00031%); highest among the groups gnomAD compares: East Asian, 0.011%; no homozygotes.

Submissions (3):

Ambry Genetics
Classification: Uncertain significance for Inborn genetic diseases. Last evaluated: 2025-12-11. Review status: criteria provided, single submitter. Criteria: Ambry Variant Classification Scheme 2023. Collection method: clinical testing. Allele origin: germline.

Fulgent Genetics
Classification: Uncertain significance for Stüve-Wiedemann syndrome 1. Last evaluated: 2024-04-13. Review status: criteria provided, single submitter. Criteria: ACMG Guidelines, 2015. Collection method: clinical testing. Allele origin: germline.

Labcorp Genetics (formerly Invitae), Labcorp
Classification: Uncertain significance. Last evaluated: 2022-02-18. Review status: criteria provided, single submitter. Criteria: Invitae Variant Classification Sherloc (09022015). Collection method: clinical testing. Allele origin: germline.
Comment: This sequence change replaces asparagine, which is neutral and polar, with serine, which is neutral and polar, at codon 907 of the LIFR protein (p.Asn907Ser). This variant is present in population databases (rs762686952, gnomAD 0.05%). This variant has not been reported in the literature in individuals affected with LIFR-related conditions. Algorithms developed to predict the effect of missense changes on protein structure and function output the following: SIFT: "Tolerated"; PolyPhen-2: "Benign"; Align-GVGD: "Class C0". The serine amino acid residue is found in multiple mammalian species, which suggests that this missense change does not adversely affect protein function. Algorithms developed to predict the effect of sequence changes on RNA splicing suggest that this variant may create or strengthen a splice site. In summary, the available evidence is currently insufficient to determine the role of this variant in disease. Therefore, it has been classified as a Variant of Uncertain Significance.

NM_001127671.2(LIFR):c.2720A>G (p.Asn907Ser)

Gene: LIFR (LIF receptor subunit alpha; minus strand). Cytogenetic location: 5p13.1.
Variant type: single nucleotide variant.
Coding change: c.2720A>G on transcript NM_001127671.2 (MANE Select); coding-DNA position 2720, A replaced by G.
Protein change: p.Asn907Ser; replaces asparagine 907 with serine.
Molecular consequence: missense variant.
Genome position (GRCh38, 1-based): chr5:38,482,169, T>C on the plus strand (A>G on the coding strand, the complement: LIFR is on the minus strand). VCF-style: chr5-38482169-T-C. GRCh37 (hg19) VCF-style: chr5-38482271-T-C.
Other names: c.2720A>G, p.Asn907Ser (NM_001364297.2, NM_002310.6); c.2687A>G, p.Asn896Ser (NM_001364298.2); c.2720A>G (NM_002310.5); short protein forms N907S, N896S.
Identifiers: ClinVar variation 2147544 (VCV002147544.5), dbSNP rs762686952, ClinGen allele CA3242575.